The following is an entry in ClinVar:

NM_000293.3(PHKB):c.321C>T (p.Asp107=)

Gene: PHKB (phosphorylase kinase regulatory subunit beta; plus strand). Cytogenetic location: 16q12.1.
Variant type: single nucleotide variant.
Coding change: c.321C>T on transcript NM_000293.3 (MANE Select); coding-DNA position 321, C replaced by T.
Protein change: p.Asp107=; no amino-acid change (aspartic acid 107 retained).
Molecular consequence: synonymous variant.
Genome position (GRCh38, 1-based): chr16:47,503,006, C>T. VCF-style: chr16-47503006-C-T. GRCh37 (hg19) VCF-style: chr16-47536917-C-T.
Other names: c.300C>T, p.Asp100= (NM_001031835.3); c.321C>T, p.Asp107= (NM_001363837.1).
Identifiers: ClinVar variation 514273 (VCV000514273.4), dbSNP rs148782229, ClinGen allele CA8040449.

ClinVar aggregate classification (germline): Likely benign. Review status: criteria provided, multiple submitters, no conflicts (2 of 4 stars). 2 submissions from 2 submitters: Likely benign (2). Last evaluated 2025-05-28.

Conditions:
Glycogen storage disease IXb (GSD9B). Also called: PHOSPHORYLASE KINASE DEFICIENCY OF LIVER AND MUSCLE, AUTOSOMAL RECESSIVE; GLYCOGENOSIS OF LIVER AND MUSCLE, AUTOSOMAL RECESSIVE; GSD IXb. Identifiers: Orphanet 79240, MedGen C0543514, MONDO:0009868, OMIM 261750.

Allele frequency attached by ClinVar (database versions not stated): gnomAD exomes 0.00001 and 0.00003; ExAC 0.00003; ESP Exome Variant Server 0.00008; gnomAD 0.00008; TOPMed 0.00009; 1000 Genomes Project 30x 0.00031; 1000 Genomes Project 0.00040.
gnomAD v4.1: 23 of 1,612,182 alleles (0.0014%); highest among the groups gnomAD compares: African/African-American, 0.031%; no homozygotes.

Submissions (2):

Labcorp Genetics (formerly Invitae), Labcorp
Classification: Likely benign for Glycogen storage disease IXb. Last evaluated: 2025-05-28. Review status: criteria provided, single submitter. Criteria: Invitae Variant Classification Sherloc (09022015). Collection method: clinical testing. Allele origin: germline.

GeneDx
Classification: Likely benign. Last evaluated: 2018-01-05. Review status: criteria provided, single submitter. Criteria: GeneDx Variant Classification (06012015). Collection method: clinical testing. Allele origin: germline. Affected: yes.
Comment: This variant is considered likely benign or benign based on one or more of the following criteria: it is a conservative change, it occurs at a poorly conserved position in the protein, it is predicted to be benign by multiple in silico algorithms, and/or has population frequency not consistent with disease.